The following is an entry in ClinVar:

NM_016284.5(CNOT1):c.2015C>A (p.Thr672Asn)

Gene: CNOT1 (CCR4-NOT transcription complex subunit 1; minus strand). Cytogenetic location: 16q21.
Variant type: single nucleotide variant.
Coding change: c.2015C>A on transcript NM_016284.5 (MANE Select); coding-DNA position 2015, C replaced by A.
Protein change: p.Thr672Asn; replaces threonine 672 with asparagine.
Molecular consequence: missense variant. On other transcripts: non-coding transcript variant (1).
Genome position (GRCh38, 1-based): chr16:58,560,327, G>T on the plus strand (C>A on the coding strand, the complement: CNOT1 is on the minus strand). VCF-style: chr16-58560327-G-T. GRCh37 (hg19) VCF-style: chr16-58594231-G-T.
Other names: c.2015C>A, p.Thr672Asn (NM_001265612.2, NM_206999.3); short protein forms T672N.
Identifiers: ClinVar variation 2878208 (VCV002878208.3), dbSNP rs917698690, ClinGen allele CA281671249.

ClinVar aggregate classification (germline): Uncertain significance (1 of 4 stars; one submission).

Submission:

Labcorp Genetics (formerly Invitae), Labcorp
Classification: Uncertain significance. Last evaluated: 2023-01-13. Review status: criteria provided, single submitter. Criteria: Invitae Variant Classification Sherloc (09022015). Collection method: clinical testing. Allele origin: germline.
Comment: This sequence change replaces threonine, which is neutral and polar, with asparagine, which is neutral and polar, at codon 672 of the CNOT1 protein (p.Thr672Asn). This variant is not present in population databases (gnomAD no frequency). This variant has not been reported in the literature in individuals affected with CNOT1-related conditions. Algorithms developed to predict the effect of missense changes on protein structure and function (SIFT, PolyPhen-2, Align-GVGD) all suggest that this variant is likely to be tolerated. In summary, the available evidence is currently insufficient to determine the role of this variant in disease. Therefore, it has been classified as a Variant of Uncertain Significance.